The following is an entry in ClinVar:

NM_005419.4(STAT2):c.711G>C (p.Glu237Asp)

Gene: STAT2 (signal transducer and activator of transcription 2; minus strand). Cytogenetic location: 12q13.3.
Variant type: single nucleotide variant.
Coding change: c.711G>C on transcript NM_005419.4 (MANE Select); coding-DNA position 711, G replaced by C.
Protein change: p.Glu237Asp; replaces glutamic acid 237 with aspartic acid.
Molecular consequence: missense variant.
Genome position (GRCh38, 1-based): chr12:56,354,537, C>G on the plus strand (G>C on the coding strand, the complement: STAT2 is on the minus strand). VCF-style: chr12-56354537-C-G. GRCh37 (hg19) VCF-style: chr12-56748321-C-G.
Other names: c.699G>C, p.Glu233Asp (NM_001385110.1, NM_001385115.1, NM_198332.2); c.711G>C, p.Glu237Asp (NM_001385111.1, NM_001385113.1, NM_001385114.1); short protein forms E237D, E233D.
Identifiers: ClinVar variation 2011432 (VCV002011432.4), dbSNP rs751721242, ClinGen allele CA6630779.

ClinVar aggregate classification (germline): Uncertain significance (1 of 4 stars; one submission).

Conditions:
Primary immunodeficiency with post-measles-mumps-rubella vaccine viral infection. Also called: Immunodeficiency 44. Identifiers: Orphanet 431166, MedGen C4225260, MONDO:0014715, OMIM 616636.

Allele frequency attached by ClinVar (database versions not stated): gnomAD exomes below 0.00001; ExAC 0.00001.
gnomAD v4.1: 1 of 1,614,210 alleles (0.000062%); highest among the groups gnomAD compares: Admixed American, 0.0017%; no homozygotes.

Submission:

Labcorp Genetics (formerly Invitae), Labcorp
Classification: Uncertain significance for Primary immunodeficiency with post-measles-mumps-rubella vaccine viral infection. Last evaluated: 2024-10-17. Review status: criteria provided, single submitter. Criteria: Invitae Variant Classification Sherloc (09022015). Collection method: clinical testing. Allele origin: germline.
Comment: This sequence change replaces glutamic acid, which is acidic and polar, with aspartic acid, which is acidic and polar, at codon 237 of the STAT2 protein (p.Glu237Asp). This variant is present in population databases (rs751721242, gnomAD 0.003%). This variant has not been reported in the literature in individuals affected with STAT2-related conditions. ClinVar contains an entry for this variant (Variation ID: 2011432). Invitae Evidence Modeling of protein sequence and biophysical properties (such as structural, functional, and spatial information, amino acid conservation, physicochemical variation, residue mobility, and thermodynamic stability) indicates that this missense variant is not expected to disrupt STAT2 protein function with a negative predictive value of 80%. In summary, the available evidence is currently insufficient to determine the role of this variant in disease. Therefore, it has been classified as a Variant of Uncertain Significance.